The following is an entry in ClinVar:

ClinVar aggregate classification (germline): Pathogenic (1 of 4 stars; one submission).

gnomAD v4.1: 7 of 1,611,300 alleles (0.00043%); highest among the groups gnomAD compares: African/African-American, 0.0013%; no homozygotes.

Submission:

Labcorp Genetics (formerly Invitae), Labcorp
Classification: Pathogenic. Last evaluated: 2022-10-03. Review status: criteria provided, single submitter. Criteria: Invitae Variant Classification Sherloc (09022015). Collection method: clinical testing. Allele origin: germline.
Comment: For these reasons, this variant has been classified as Pathogenic. This variant has not been reported in the literature in individuals affected with FNIP1-related conditions. The frequency data for this variant in the population databases is considered unreliable, as metrics indicate poor data quality at this position in the gnomAD database. This sequence change creates a premature translational stop signal (p.Arg53*) in the FNIP1 gene. It is expected to result in an absent or disrupted protein product. Loss-of-function variants in FNIP1 are known to be pathogenic (PMID: 32181500, 32905580).

Literature cited by the submitters: PubMed 32181500; PubMed 32905580.

NM_133372.3(FNIP1):c.157C>T (p.Arg53Ter)

Gene: FNIP1 (folliculin interacting protein 1; minus strand). Cytogenetic location: 5q31.1.
Variant type: single nucleotide variant.
Coding change: c.157C>T on transcript NM_133372.3 (MANE Select); coding-DNA position 157, C replaced by T.
Protein change: p.Arg53Ter; replaces arginine 53 with a stop codon.
Molecular consequence: nonsense.
Genome position (GRCh38, 1-based): chr5:131,744,626, G>A on the plus strand (C>T on the coding strand, the complement: FNIP1 is on the minus strand). VCF-style: chr5-131744626-G-A. GRCh37 (hg19) VCF-style: chr5-131080319-G-A.
Other names: c.157C>T, p.Arg53Ter (NM_001008738.3, NM_001346113.2, NM_001346114.2); short protein forms R53*.
Identifiers: ClinVar variation 1928651 (VCV001928651.5), dbSNP rs1321818658, ClinGen allele CA360841811.
Genomic context (GRCh38, chr5:131,744,626, plus strand): 5'-ATACTGATATGTCCTCATTTCTTCTCTTAACACTGGAGTCAAACAAAACATTTCTCCCTC[G>A]TCTTTCACAGTCTTGATATACAATCAGTCGAATCTGGCTTGGATCAAACTCTGGTAAAGG-3'